The following is an entry in ClinVar:

ClinVar aggregate classification (germline): Uncertain significance (1 of 4 stars; one submission).

Conditions:
Neurodevelopmental disorder with gait disturbance, dysmorphic facies, and behavioral abnormalities, X-linked (HIJRS). Also called: HIJAZI-REIS SYNDROME. Identifiers: MedGen C5774179, MONDO:0859085, OMIM 301094.

Submission:

Institute of Human Genetics, University of Leipzig Medical Center
Classification: Uncertain significance for Neurodevelopmental disorder with gait disturbance, dysmorphic facies, and behavioral abnormalities, X-linked. Last evaluated: 2024-01-09. Review status: criteria provided, single submitter. Criteria: ACMG Guidelines, 2015. Collection method: clinical testing. Allele origin: unknown. Inheritance: X-linked dominant inheritance. Affected: yes.
Comment: Criteria applied: PVS1_STR,PM2_SUP

NM_004780.3(TCEAL1):c.88_89insT (p.Glu30fs)

Gene: TCEAL1 (transcription elongation factor A like 1; plus strand). Cytogenetic location: Xq22.2.
Variant type: Insertion.
Coding change: c.88_89insT on transcript NM_004780.3 (MANE Select); coding-DNA positions 88 to 89, T inserted.
Protein change: p.Glu30fs; shifts the reading frame from glutamic acid 30.
Molecular consequence: frameshift variant.
Genome position: GRCh38 VCF-style: chrX-103630004-G-GT. GRCh37 (hg19) VCF-style: chrX-102884932-G-GT.
Other names: c.88_89insT, p.Glu30fs (NM_001006639.2, NM_001006640.2); short protein forms E30fs.
Identifiers: ClinVar variation 3068455 (VCV003068455.2), dbSNP rs2521930224, ClinGen allele CA2825002912.
Genomic context (GRCh38, chrX:103,630,004, plus strand): 5'-GAAGAGCCGCAGAGCGCGCCCAAGACCGATGAGGAGAGGCCTCCGGTGGAGCACTCTCCC[G>GT]AAAAGCAGTCCCCCGAGGAGCAGTCTTCGGAGGAGCAGTCCTCGGAGGAGGAGTTCTTTC-3'